The following is an entry in ClinVar:

ClinVar aggregate classification (germline): Likely benign. Review status: criteria provided, multiple submitters, no conflicts (2 of 4 stars). 4 submissions from 4 submitters: Likely benign (3). 1 of the submissions does not count toward it. Last evaluated 2025-12-08.

Conditions:
Saldino-Mainzer syndrome (SRTD9). Also called: CONORENAL SYNDROME; short-rib thoracic dysplasia 9 with or without polydactyly; SHORT-RIB THORACIC DYSPLASIA 9 WITHOUT POLYDACTYLY; Renal dysplasia, retinal pigmentary dystrophy, cerebellar ataxia and skeletal dysplasia. Identifiers: Orphanet 140969, MedGen C1849437, MONDO:0009964, OMIM 266920.
IFT140-related disorder. Also called: IFT140-related condition.
Retinitis pigmentosa 80 (RP80). Identifiers: MedGen C4540439, MONDO:0054708, OMIM 617781.

Allele frequency attached by ClinVar (database versions not stated): 1000 Genomes Project 30x 0.00031.
gnomAD v4.1: 30 of 1,614,144 alleles (0.0019%); highest among the groups gnomAD compares: East Asian, 0.053%; no homozygotes.

Submissions (4):

Labcorp Genetics (formerly Invitae), Labcorp
Classification: Likely benign for Saldino-Mainzer syndrome. Last evaluated: 2025-12-08. Review status: criteria provided, single submitter. Criteria: Invitae Variant Classification Sherloc (09022015). Collection method: clinical testing. Allele origin: germline.

Blueprint Genetics
Classification: Likely benign. Last evaluated: 2024-02-14. Review status: criteria provided, single submitter. Criteria: ACMG Guidelines, 2015. Collection method: clinical testing. Allele origin: germline.

Fulgent Genetics
Classification: Likely benign for Saldino-Mainzer syndrome; Retinitis pigmentosa 80. Last evaluated: 2021-12-07. Review status: criteria provided, single submitter. Criteria: ACMG Guidelines, 2015. Collection method: clinical testing. Allele origin: unknown.

PreventionGenetics, part of Exact Sciences
Classification: Likely benign for IFT140-related condition. Last evaluated: 2024-03-06. Review status: no assertion criteria provided. Collection method: clinical testing. Allele origin: germline. Not counted in ClinVar's aggregate classification.
Comment: This variant is classified as likely benign based on ACMG/AMP sequence variant interpretation guidelines (Richards et al. 2015 PMID: 25741868, with internal and published modifications).

NM_014714.4(IFT140):c.474G>C (p.Arg158=)

Genes: IFT140 (intraflagellar transport 140; minus strand), LOC105371046 (uncharacterized LOC105371046; plus strand). Cytogenetic location: 16p13.3.
Variant type: single nucleotide variant.
Coding change: c.474G>C on transcript NM_014714.4 (MANE Select); coding-DNA position 474, G replaced by C.
Protein change: p.Arg158=; no amino-acid change (arginine 158 retained).
Molecular consequence: synonymous variant.
Genome position (GRCh38, 1-based): chr16:1,592,484, C>G on the plus strand (G>C on the coding strand, the complement: IFT140 is on the minus strand). VCF-style: chr16-1592484-C-G. GRCh37 (hg19) VCF-style: chr16-1642485-C-G.
Other names: c.474G>C (NM_014714.3).
Identifiers: ClinVar variation 1594526 (VCV001594526.11), dbSNP rs145287241, ClinGen allele CA7814697.
Genomic context (GRCh38, chr16:1,592,484, plus strand): 5'-ATGTAAACACACACACAGGTCACAGGGCAAGCCCCACACTTACTCGCCAGGAGGGGGGAG[C>G]CGGAAGATGCAGTGCGTGAGGTGTTTCCCATACTCGTGTTTCAGCAGAGGCGTCCCTTGC-3'
Protein context (NP_055529.2, residues 148-168): YGKHLTHCIF[Arg158=]LPPPGEDLVQ